The following is an entry in ClinVar:

NM_033124.5(DRC2):c.8A>G (p.Lys3Arg)

Gene: DRC2 (dynein regulatory complex subunit 2; plus strand). Cytogenetic location: 12q13.12.
Variant type: single nucleotide variant.
Coding change: c.8A>G on transcript NM_033124.5 (MANE Select); coding-DNA position 8, A replaced by G.
Protein change: p.Lys3Arg; replaces lysine 3 with arginine.
Molecular consequence: missense variant. On other transcripts: 5 prime UTR variant (1).
Genome position (GRCh38, 1-based): chr12:48,904,344, A>G. VCF-style: chr12-48904344-A-G. GRCh37 (hg19) VCF-style: chr12-49298127-A-G.
Other names: c.-382A>G (NM_001286957.2); short protein forms K3R.
Identifiers: ClinVar variation 2182077 (VCV002182077.1), dbSNP rs1387804721, ClinGen allele CA384652180.

ClinVar aggregate classification (germline): Uncertain significance (1 of 4 stars; one submission).

Conditions:
Primary ciliary dyskinesia 27. Also called: CILIARY DYSKINESIA, PRIMARY, 27, WITHOUT SITUS INVERSUS. Identifiers: Orphanet 244, MedGen C3809701, MONDO:0014215, OMIM 615504.

Allele frequency attached by ClinVar (database versions not stated): gnomAD 0.00001; TOPMed 0.00001.
gnomAD v4.1: 2 of 1,613,332 alleles (0.00012%); highest among the groups gnomAD compares: African/African-American, 0.0027%; no homozygotes.

Submission:

Labcorp Genetics (formerly Invitae), Labcorp
Classification: Uncertain significance for Primary ciliary dyskinesia 27. Last evaluated: 2022-03-14. Review status: criteria provided, single submitter. Criteria: Invitae Variant Classification Sherloc (09022015). Collection method: clinical testing. Allele origin: germline.
Comment: This sequence change replaces lysine, which is basic and polar, with arginine, which is basic and polar, at codon 3 of the CCDC65 protein (p.Lys3Arg). This variant is not present in population databases (gnomAD no frequency). This variant has not been reported in the literature in individuals affected with CCDC65-related conditions. Algorithms developed to predict the effect of missense changes on protein structure and function output the following: SIFT: "Tolerated"; PolyPhen-2: "Benign"; Align-GVGD: "Class C0". The arginine amino acid residue is found in multiple mammalian species, which suggests that this missense change does not adversely affect protein function. In summary, the available evidence is currently insufficient to determine the role of this variant in disease. Therefore, it has been classified as a Variant of Uncertain Significance.